The following is an entry in ClinVar:

ClinVar aggregate classification (germline): Uncertain significance. Review status: criteria provided, multiple submitters, no conflicts (2 of 4 stars). 2 submissions from 2 submitters: Uncertain significance (2). Last evaluated 2023-12-05.

Conditions:
Hereditary cancer-predisposing syndrome. Also called: Neoplastic Syndromes, Hereditary; Hereditary neoplastic syndrome; Tumor predisposition; Hereditary Cancer Syndrome. Identifiers: Orphanet 140162, MedGen C0027672, MeSH D009386, MONDO:0015356.
Familial cancer of breast. Also called: BREAST CANCER, FAMILIAL; hereditary breast carcinoma; Hereditary breast cancer. Identifiers: Orphanet 227535, MedGen C0346153, MONDO:0016419, OMIM 114480. Disease mechanism: loss of function.

Allele frequency attached by ClinVar (database versions not stated): gnomAD exomes below 0.00001; ExAC 0.00001.
gnomAD v4.1: 1 of 1,614,136 alleles (0.000062%); highest among the groups gnomAD compares: East Asian, 0.0022%; no homozygotes.

Submissions (2):

Color Diagnostics, LLC DBA Color Health
Classification: Uncertain significance for Hereditary cancer-predisposing syndrome. Last evaluated: 2023-12-05. Review status: criteria provided, single submitter. Criteria: ACMG Guidelines, 2015. Collection method: clinical testing. Allele origin: germline.
Comment: This missense variant replaces cysteine with glycine at codon 336 of the BARD1 protein. Computational prediction suggests that this variant may not impact protein structure and function (internally defined REVEL score threshold <= 0.5, PMID: 27666373). To our knowledge, functional studies have not been reported for this variant. This variant has not been reported in individuals affected with BARD1-related disorders in the literature. This variant has been identified in 1/251146 chromosomes in the general population by the Genome Aggregation Database (gnomAD). The available evidence is insufficient to determine the role of this variant in disease conclusively. Therefore, this variant is classified as a Variant of Uncertain Significance.

Labcorp Genetics (formerly Invitae), Labcorp
Classification: Uncertain significance for Familial cancer of breast. Last evaluated: 2016-02-24. Review status: criteria provided, single submitter. Criteria: Invitae Variant Classification Sherloc (09022015). Collection method: clinical testing. Allele origin: germline.
Comment: This sequence change replaces cysteine with glycine at codon 336 of the BARD1 protein (p.Cys336Gly). The cysteine residue is highly conserved and there is a large physicochemical difference between cysteine and glycine. This variant is present in population databases (rs752869298, ExAC 0.01%) but has not been reported in the literature in individuals with a BARD1-related disease. Algorithms developed to predict the effect of missense changes on protein structure and function (SIFT, PolyPhen-2, Align-GVGD) all suggest that this variant is likely to be tolerated, but these predictions have not been confirmed by published functional studies. Algorithms developed to predict the effect of sequence changes on mRNA splicing suggest that this variant may alter mRNA splicing, but this prediction has not been confirmed by published transcriptional studies. In summary, this is a rare missense change with uncertain impact on protein function and mRNA splicing. There is no indication that this variant causes disease, but the evidence is insufficient at this time to prove that conclusively. Therefore, it has been classified as a Variant of Uncertain Significance.

NM_000465.4(BARD1):c.1006T>G (p.Cys336Gly)

Gene: BARD1 (BRCA1 associated RING domain 1; minus strand). Cytogenetic location: 2q35.
Variant type: single nucleotide variant.
Coding change: c.1006T>G on transcript NM_000465.4 (MANE Select); coding-DNA position 1006, T replaced by G.
Protein change: p.Cys336Gly; replaces cysteine 336 with glycine.
Molecular consequence: missense variant. On other transcripts: non-coding transcript variant (2), intron variant (3).
Genome position (GRCh38, 1-based): chr2:214,780,868, A>C on the plus strand (T>G on the coding strand, the complement: BARD1 is on the minus strand). VCF-style: chr2-214780868-A-C. GRCh37 (hg19) VCF-style: chr2-215645592-A-C.
Other names: c.949T>G, p.Cys317Gly (NM_001282543.2); c.159-28313T>G (NM_001282548.2); c.215+16193T>G (NM_001282545.2); c.364+11429T>G (NM_001282549.2); short protein forms C336G, C317G.
Identifiers: ClinVar variation 237811 (VCV000237811.7), dbSNP rs752869298, ClinGen allele CA2090349.
Genomic context (GRCh38, chr2:214,780,868, plus strand): 5'-TTTCTGAGGGCACCGTTTGCTTAACAAAATCTCCACTGGTGCTCAGAATGCTGGTTCTAC[A>C]TCTCTTAGAAATGGGACTGGAAAGTCTATTGTGATGGCCACGTTTTCCATTATTTTCTAA-3'
Protein context (NP_000456.2, residues 326-346): NRLSSPISKR[Cys336Gly]RTSILSTSGD